The following is an entry in ClinVar:

ClinVar aggregate classification (germline): Uncertain significance. Review status: criteria provided, single submitter (1 of 4 stars). 2 submissions from 2 submitters: Uncertain significance (1). 1 of the submissions does not count toward it. Last evaluated 2025-09-18.

Conditions:
Cyclical neutropenia. Also called: Cyclic Neutropenia; Cyclic hematopoiesis. Identifiers: Orphanet 2686, MedGen C0221023, MONDO:0008090, OMIM 162800, HP:0040289. Disease mechanism: loss of function.
Neutropenia, severe congenital, 1, autosomal dominant. Identifiers: MedGen C1859966, MONDO:0042490, OMIM 202700.
ELANE-related disorder. Also called: ELANE-related condition.

Allele frequency attached by ClinVar (database versions not stated): TOPMed 0.00001; gnomAD 0.00003 and 0.00004.
gnomAD v4.1: 31 of 1,609,254 alleles (0.0019%); highest among the groups gnomAD compares: Non-Finnish European, 0.0025%; no homozygotes.

Submissions (2):

Labcorp Genetics (formerly Invitae), Labcorp
Classification: Uncertain significance for Neutropenia, severe congenital, 1, autosomal dominant; Cyclical neutropenia. Last evaluated: 2025-09-18. Review status: criteria provided, single submitter. Criteria: Invitae Variant Classification Sherloc (09022015). Collection method: clinical testing. Allele origin: germline.
Comment: This sequence change replaces leucine, which is neutral and non-polar, with isoleucine, which is neutral and non-polar, at codon 189 of the ELANE protein (p.Leu189Ile). This variant is present in population databases (rs200592180, gnomAD 0.005%). This variant has not been reported in the literature in individuals affected with ELANE-related conditions. ClinVar contains an entry for this variant (Variation ID: 839730). Invitae Evidence Modeling of protein sequence and biophysical properties (such as structural, functional, and spatial information, amino acid conservation, physicochemical variation, residue mobility, and thermodynamic stability) has been performed for this missense variant. However, the output from this modeling did not meet the statistical confidence thresholds required to predict the impact of this variant on ELANE protein function. In summary, the available evidence is currently insufficient to determine the role of this variant in disease. Therefore, it has been classified as a Variant of Uncertain Significance.

PreventionGenetics, part of Exact Sciences
Classification: Uncertain significance for ELANE-related condition. Last evaluated: 2024-08-26. Review status: no assertion criteria provided. Collection method: clinical testing. Allele origin: germline. Not counted in ClinVar's aggregate classification.
Comment: The ELANE c.565C>A variant is predicted to result in the amino acid substitution p.Leu189Ile. To our knowledge, this variant has not been reported in the literature. This variant is reported in 0.0040% of alleles in individuals of European (Non-Finnish) descent in gnomAD. At this time, the clinical significance of this variant is uncertain due to the absence of conclusive functional and genetic evidence.

NM_001972.4(ELANE):c.565C>A (p.Leu189Ile)

Gene: ELANE (elastase, neutrophil expressed; plus strand). Cytogenetic location: 19p13.3.
Variant type: single nucleotide variant.
Coding change: c.565C>A on transcript NM_001972.4 (MANE Select); coding-DNA position 565, C replaced by A.
Protein change: p.Leu189Ile; replaces leucine 189 with isoleucine.
Molecular consequence: missense variant.
Genome position (GRCh38, 1-based): chr19:855,762, C>A. VCF-style: chr19-855762-C-A. GRCh37 (hg19) VCF-style: chr19-855762-C-A.
Other names: c.565C>A (NM_001972.3); short protein forms L189I.
Identifiers: ClinVar variation 839730 (VCV000839730.11), dbSNP rs200592180, ClinGen allele CA9026092.